The following is an entry in ClinVar:

NM_000553.6(WRN):c.3233+1G>C

Gene: WRN (WRN RecQ like helicase; plus strand). Cytogenetic location: 8p12.
Variant type: single nucleotide variant.
Coding change: c.3233+1G>C on transcript NM_000553.6 (MANE Select); the canonical splice donor site of the intron after coding-DNA position 3233, G replaced by C.
Molecular consequence: splice donor variant.
Genome position (GRCh38, 1-based): chr8:31,141,776, G>C. VCF-style: chr8-31141776-G-C. GRCh37 (hg19) VCF-style: chr8-30999292-G-C.
Identifiers: ClinVar variation 581823 (VCV000581823.9), dbSNP rs1563376793, ClinGen allele CA370923226.

ClinVar aggregate classification (germline): Pathogenic/Likely pathogenic. Review status: criteria provided, multiple submitters, no conflicts (2 of 4 stars). 2 submissions from 2 submitters: Pathogenic (1); Likely pathogenic (1). Last evaluated 2025-02-10.

Conditions:
Werner syndrome (WRN). Identifiers: Orphanet 902, MedGen C0043119, MONDO:0010196, OMIM 277700.

Allele frequency attached by ClinVar (database versions not stated): gnomAD exomes below 0.00001.
gnomAD v4.1: 2 of 1,613,368 alleles (0.00012%); highest among the groups gnomAD compares: Non-Finnish European, 0.00017%; no homozygotes.

Submissions (2):

Labcorp Genetics (formerly Invitae), Labcorp
Classification: Likely pathogenic for Werner syndrome. Last evaluated: 2025-02-10. Review status: criteria provided, single submitter. Criteria: Invitae Variant Classification Sherloc (09022015). Collection method: clinical testing. Allele origin: germline.
Comment: This sequence change affects a donor splice site in intron 26 of the WRN gene. RNA analysis indicates that disruption of this splice site induces altered splicing and may result in an absent or altered protein product. This variant is not present in population databases (gnomAD no frequency). Disruption of this splice site has been observed in individual(s) with Werner syndrome (PMID: 10220139, 10811130). This variant is also known as IVS26+1G>C. ClinVar contains an entry for this variant (Variation ID: 581823). Studies have shown that disruption of this splice site results in skipping of exon 26, and produces a non-functional protein and/or introduces a premature termination codon (internal data). In summary, the currently available evidence indicates that the variant is pathogenic, but additional data are needed to prove that conclusively. Therefore, this variant has been classified as Likely Pathogenic.

Baylor Genetics
Classification: Pathogenic for Werner syndrome. Last evaluated: 2023-11-27. Review status: criteria provided, single submitter. Criteria: ACMG Guidelines, 2015. Collection method: clinical testing. Allele origin: unknown.

Literature cited by the submitters: PubMed 10220139 (cited by Labcorp Genetics (formerly Invitae), Labcorp); PubMed 10811130 (cited by Labcorp Genetics (formerly Invitae), Labcorp).